The following is an entry in ClinVar:

ClinVar aggregate classification (germline): Benign/Likely benign. Review status: criteria provided, multiple submitters, no conflicts (2 of 4 stars). 4 submissions from 4 submitters: Benign (1); Likely benign (3). Last evaluated 2025-12-08.

Conditions:
Familial cancer of breast. Also called: hereditary breast carcinoma; BREAST CANCER, FAMILIAL; Hereditary breast cancer. Identifiers: Orphanet 227535, MedGen C0346153, MONDO:0016419, OMIM 114480. Disease mechanism: loss of function.
Fanconi anemia complementation group J. Also called: BRIP1-Related Fanconi Anemia. Identifiers: Orphanet 84, MedGen C1836860, MONDO:0012187, OMIM 609054.
Hereditary cancer-predisposing syndrome. Also called: Tumor predisposition; Hereditary neoplastic syndrome; Neoplastic Syndromes, Hereditary; Hereditary Cancer Syndrome. Identifiers: Orphanet 140162, MedGen C0027672, MeSH D009386, MONDO:0015356.

Submissions (4):

Labcorp Genetics (formerly Invitae), Labcorp
Classification: Likely benign for Familial cancer of breast; Fanconi anemia complementation group J. Last evaluated: 2025-12-08. Review status: criteria provided, single submitter. Criteria: Invitae Variant Classification Sherloc (09022015). Collection method: clinical testing. Allele origin: germline.

Myriad Genetics, Inc.
Classification: Benign for Familial cancer of breast. Last evaluated: 2024-09-05. Review status: criteria provided, single submitter. Criteria: Myriad Autosomal Dominant, Autosomal Recessive and X-Linked Classification Criteria (2023). Collection method: clinical testing. Allele origin: unknown.
Comment: This variant is considered benign. This variant is a silent/synonymous amino acid change and it is not expected to impact splicing.

Ambry Genetics
Classification: Likely benign for Hereditary cancer-predisposing syndrome. Last evaluated: 2024-06-23. Review status: criteria provided, single submitter. Criteria: Ambry Variant Classification Scheme 2023. Collection method: clinical testing. Allele origin: germline.

Women's Health and Genetics/Laboratory Corporation of America, LabCorp
Classification: Likely benign. Last evaluated: 2019-08-28. Review status: criteria provided, single submitter. Criteria: LabCorp Variant Classification Summary - May 2015. Collection method: clinical testing. Allele origin: germline.

NM_032043.3(BRIP1):c.2433A>G (p.Leu811=)

Gene: BRIP1 (BRCA1 interacting DNA helicase 1; minus strand). Cytogenetic location: 17q23.2.
Variant type: single nucleotide variant.
Coding change: c.2433A>G on transcript NM_032043.3 (MANE Select); coding-DNA position 2433, A replaced by G.
Protein change: p.Leu811=; no amino-acid change (leucine 811 retained).
Molecular consequence: synonymous variant.
Genome position (GRCh38, 1-based): chr17:61,716,010, T>C on the plus strand (A>G on the coding strand, the complement: BRIP1 is on the minus strand). VCF-style: chr17-61716010-T-C. GRCh37 (hg19) VCF-style: chr17-59793371-T-C.
Identifiers: ClinVar variation 496483 (VCV000496483.7), dbSNP rs751455420, ClinGen allele CA501150519.